The following is an entry in ClinVar:

ClinVar aggregate classification (germline): Benign (1 of 4 stars; one submission).

Allele frequency attached by ClinVar (database versions not stated): gnomAD 0.57821 and 0.58382; TOPMed 0.58966; 1000 Genomes Project 0.63858.
gnomAD v4.1: 88,395 of 151,746 alleles (58%); highest among the groups gnomAD compares: South Asian, 72%; 25,998 homozygotes.

Submission:

GeneDx
Classification: Benign. Last evaluated: 2018-06-14. Review status: criteria provided, single submitter. Criteria: GeneDx Variant Classification (06012015). Collection method: clinical testing. Allele origin: germline. Affected: yes.
Comment: This variant is considered likely benign or benign based on one or more of the following criteria: it is a conservative change, it occurs at a poorly conserved position in the protein, it is predicted to be benign by multiple in silico algorithms, and/or has population frequency not consistent with disease.

NM_000243.3(MEFV):c.1611-343T>G

Gene: MEFV (MEFV innate immunity regulator, pyrin; minus strand). Cytogenetic location: 16p13.3.
Variant type: single nucleotide variant.
Coding change: c.1611-343T>G on transcript NM_000243.3 (MANE Select); 343 bases into the intron before coding-DNA position 1611, T replaced by G.
Molecular consequence: intron variant.
Genome position (GRCh38, 1-based): chr16:3,244,931, A>C on the plus strand (T>G on the coding strand, the complement: MEFV is on the minus strand). VCF-style: chr16-3244931-A-C. GRCh37 (hg19) VCF-style: chr16-3294931-A-C.
Other names: c.978-343T>G (NM_001198536.2).
Identifiers: ClinVar variation 667833 (VCV000667833.1), dbSNP rs170383, ClinGen allele CA276896305.